The following is an entry in ClinVar:

NM_000245.4(MET):c.3121G>A (p.Asp1041Asn)

Gene: MET (MET proto-oncogene, receptor tyrosine kinase; plus strand). Cytogenetic location: 7q31.2.
Variant type: single nucleotide variant.
Coding change: c.3121G>A on transcript NM_000245.4 (MANE Select); coding-DNA position 3121, G replaced by A.
Protein change: p.Asp1041Asn; replaces aspartic acid 1041 with asparagine.
Molecular consequence: missense variant.
Genome position (GRCh38, 1-based): chr7:116,774,973, G>A. VCF-style: chr7-116774973-G-A. GRCh37 (hg19) VCF-style: chr7-116415027-G-A.
Other names: c.3175G>A, p.Asp1059Asn (NM_001127500.3); c.1831G>A, p.Asp611Asn (NM_001324402.2); short protein forms D1041N, D1059N, D611N.
Identifiers: ClinVar variation 3232969 (VCV003232969.1), dbSNP rs2117030675, ClinGen allele CA368988203.

ClinVar aggregate classification (germline): Uncertain significance (1 of 4 stars; one submission).

Conditions:
Hereditary cancer-predisposing syndrome. Also called: Neoplastic Syndromes, Hereditary; Tumor predisposition; Hereditary neoplastic syndrome; Hereditary Cancer Syndrome. Identifiers: Orphanet 140162, MedGen C0027672, MeSH D009386, MONDO:0015356.

Allele frequency attached by ClinVar (database versions not stated): gnomAD exomes below 0.00001.
gnomAD v4.1: 1 of 1,614,118 alleles (0.000062%); highest among the groups gnomAD compares: Non-Finnish European, 0.000085%; no homozygotes.

Submission:

Ambry Genetics
Classification: Uncertain significance for Hereditary cancer-predisposing syndrome. Last evaluated: 2024-02-13. Review status: criteria provided, single submitter. Criteria: Ambry Variant Classification Scheme 2023. Collection method: clinical testing. Allele origin: germline.
Comment: The p.D1059N variant (also known as c.3175G>A), located in coding exon 14 of the MET gene, results from a G to A substitution at nucleotide position 3175. The aspartic acid at codon 1059 is replaced by asparagine, an amino acid with highly similar properties. This amino acid position is conserved. In addition, this alteration is predicted to be tolerated by in silico analysis. Based on the available evidence, the clinical significance of this alteration remains unclear.